The following is an entry in ClinVar:

NM_006415.4(SPTLC1):c.1356_1359del (p.Thr453fs)

Gene: SPTLC1 (serine palmitoyltransferase long chain base subunit 1; minus strand). Cytogenetic location: 9q22.31.
Variant type: Microsatellite.
Coding change: c.1356_1359del on transcript NM_006415.4 (MANE Select); coding-DNA positions 1356 to 1359, 4 bases deleted (AACA; older notation c.1356_1359delAACA).
Protein change: p.Thr453fs; shifts the reading frame from threonine 453.
Molecular consequence: frameshift variant. On other transcripts: splice acceptor variant (1).
Genome position (GRCh38, 1-based): chr9:92,032,528-92,032,531, TGTT deleted on the plus strand (AACA on the coding strand, the reverse complement: SPTLC1 is on the minus strand); deleting any 4 consecutive bases within chr9:92,032,528-92,032,535 gives the same sequence; the c. name uses the placement nearest the transcript's 3' end. VCF-style (leftmost placement, unchanged base first): chr9-92032527-CTGTT-C. GRCh37 (hg19) VCF-style: chr9-94794809-CTGTT-C.
Other names: c.990_993del, p.Thr331fs (NM_001368272.1); c.891_894del, p.Thr298fs (NM_001368273.1); c.1329-5_1329-2del (NM_001281303.2); short protein forms T331fs, T453fs, T298fs.
Identifiers: ClinVar variation 2726727 (VCV002726727.3), dbSNP rs1326233011, ClinGen allele CA589149848.

ClinVar aggregate classification (germline): Uncertain significance (1 of 4 stars; one submission).

Conditions:
Hereditary sensory and autonomic neuropathy type 1 (HSAN1). Also called: HSAN 1; HSN Type I; Hereditary Sensory Neuropathy Type I. Identifiers: Orphanet 36386, MedGen C0020071, MONDO:0018213.

Submission:

Labcorp Genetics (formerly Invitae), Labcorp
Classification: Uncertain significance for Hereditary sensory and autonomic neuropathy type 1. Last evaluated: 2023-07-17. Review status: criteria provided, single submitter. Criteria: Invitae Variant Classification Sherloc (09022015). Collection method: clinical testing. Allele origin: germline.
Comment: In summary, the available evidence is currently insufficient to determine the role of this variant in disease. Therefore, it has been classified as a Variant of Uncertain Significance. Experimental studies and prediction algorithms are not available or were not evaluated, and the functional significance of this variant is currently unknown. This variant has not been reported in the literature in individuals affected with SPTLC1-related conditions. This variant is present in population databases (no rsID available, gnomAD 0.007%). This sequence change creates a premature translational stop signal (p.Thr453Argfs*14) in the SPTLC1 gene. While this is not anticipated to result in nonsense mediated decay, it is expected to disrupt the last 21 amino acid(s) of the SPTLC1 protein.